The following is an entry in ClinVar:

ClinVar aggregate classification (germline): Uncertain significance (1 of 4 stars; one submission).

Allele frequency attached by ClinVar (database versions not stated): gnomAD 0.00001; gnomAD exomes 0.00001; TOPMed 0.00001.
gnomAD v4.1: 19 of 1,536,512 alleles (0.0012%); highest among the groups gnomAD compares: Non-Finnish European, 0.0017%; no homozygotes.

Submission:

Labcorp Genetics (formerly Invitae), Labcorp
Classification: Uncertain significance. Last evaluated: 2023-04-22. Review status: criteria provided, single submitter. Criteria: Invitae Variant Classification Sherloc (09022015). Collection method: clinical testing. Allele origin: germline.
Comment: In summary, the available evidence is currently insufficient to determine the role of this variant in disease. Therefore, it has been classified as a Variant of Uncertain Significance. Experimental studies and prediction algorithms are not available or were not evaluated, and the functional significance of this variant is currently unknown. This variant has not been reported in the literature in individuals affected with FMN1-related conditions. The frequency data for this variant in the population databases is considered unreliable, as metrics indicate poor data quality at this position in the gnomAD database. This sequence change replaces glycine, which is neutral and non-polar, with serine, which is neutral and polar, at codon 479 of the FMN1 protein (p.Gly479Ser). The FMN1 gene has multiple clinically relevant transcripts. This variant occurs in alternate transcript NM_001277314.1, and corresponds to NM_001103184.3:c.-85596G>A in the primary transcript.

NM_001277313.2(FMN1):c.1435G>A (p.Gly479Ser)

Gene: FMN1 (formin 1; minus strand). Cytogenetic location: 15q13.3.
Variant type: single nucleotide variant.
Coding change: c.1435G>A on transcript NM_001277313.2 (MANE Select); coding-DNA position 1435, G replaced by A.
Protein change: p.Gly479Ser; replaces glycine 479 with serine.
Molecular consequence: missense variant.
Genome position (GRCh38, 1-based): chr15:33,153,480, C>T on the plus strand (G>A on the coding strand, the complement: FMN1 is on the minus strand). VCF-style: chr15-33153480-C-T. GRCh37 (hg19) VCF-style: chr15-33445681-C-T.
Other names: c.1435G>A, p.Gly479Ser (NM_001277314.2); short protein forms G479S.
Identifiers: ClinVar variation 2721555 (VCV002721555.3), dbSNP rs1381345818, ClinGen allele CA391907945.